The following is an entry in ClinVar:

NM_001378615.1(CC2D2A):c.2036A>T (p.Lys679Met)

Genes: CC2D2A (coiled-coil and C2 domain containing 2A; plus strand), FBXL5 (F-box and leucine rich repeat protein 5; minus strand). Cytogenetic location: 4p15.32.
Variant type: single nucleotide variant.
Coding change: c.2036A>T on transcript NM_001378615.1 (MANE Select); coding-DNA position 2036, A replaced by T.
Protein change: p.Lys679Met; replaces lysine 679 with methionine.
Molecular consequence: missense variant.
Genome position (GRCh38, 1-based): chr4:15,540,869, A>T. VCF-style: chr4-15540869-A-T. GRCh37 (hg19) VCF-style: chr4-15542492-A-T.
Other names: c.2036A>T, p.Lys679Met (NM_001080522.2); c.1889A>T, p.Lys630Met (NM_001378617.1); short protein forms K630M, K679M.
Identifiers: ClinVar variation 3345875 (VCV003345875.1).
Genomic context (GRCh38, chr4:15,540,869, plus strand): 5'-TCCACCTGTGAATGGTCTCCTTTTGCAGAGCGGAGGTCTCGAGAAGGGAGGATGTAAAGA[A>T]GCGCTCAGTGTACTTAAAAGTGCTGTTCAACAACAAGGAGGTGTCCAGGACAGTCAGTCG-3'
Protein context (NP_001365544.1, residues 669-689): AEVSRREDVK[Lys679Met]RSVYLKVLFN

ClinVar aggregate classification (germline): Uncertain significance (0 of 4 stars; one submission).

Conditions:
CC2D2A-related disorder. Also called: CC2D2A-related disorders; CC2D2A-related condition. Identifiers: MedGen CN239313.

gnomAD v4.1: 1 of 1,600,778 alleles (0.000062%); highest among the groups gnomAD compares: Non-Finnish European, 0.000085%; no homozygotes.

Submission:

PreventionGenetics, part of Exact Sciences
Classification: Uncertain significance for CC2D2A-related condition. Last evaluated: 2024-04-18. Review status: no assertion criteria provided. Collection method: clinical testing. Allele origin: germline.
Comment: The CC2D2A c.2036A>T variant is predicted to result in the amino acid substitution p.Lys679Met. To our knowledge, this variant has not been reported in the literature. This variant is reported in 0.00098% of alleles in individuals of European (Non-Finnish) descent in gnomAD. At this time, the clinical significance of this variant is uncertain due to the absence of conclusive functional and genetic evidence.